The following is an entry in ClinVar:

ClinVar aggregate classification (germline): Likely benign (1 of 4 stars; one submission).

Allele frequency attached by ClinVar (database versions not stated): TOPMed 0.00023; 1000 Genomes Project 30x 0.00042; 1000 Genomes Project 0.00053; gnomAD 0.00078; gnomAD exomes 0.00101.
gnomAD v4.1: 481 of 497,130 alleles (0.097%); highest among the groups gnomAD compares: East Asian, 0.14%; 4 homozygotes.

Submission:

CeGaT Center for Human Genetics Tuebingen
Classification: Likely benign. Last evaluated: 2022-08-01. Review status: criteria provided, single submitter. Criteria: CeGaT Center For Human Genetics Tuebingen Variant Classification Criteria Version 2. Collection method: clinical testing. Allele origin: germline. Affected: yes. Observed: 1 variant allele.
Comment: AR: BS2

NM_000044.6(AR):c.2449+192C>T

Gene: AR (androgen receptor; plus strand). Cytogenetic location: Xq12.
Variant type: single nucleotide variant.
Coding change: c.2449+192C>T on transcript NM_000044.6 (MANE Select); 192 bases into the intron after coding-DNA position 2449, C replaced by T.
Molecular consequence: intron variant.
Genome position (GRCh38, 1-based): chrX:67,722,155, C>T. VCF-style: chrX-67722155-C-T. GRCh37 (hg19) VCF-style: chrX-66941997-C-T.
Other names: c.853+192C>T (NM_001011645.3).
Identifiers: ClinVar variation 2660776 (VCV002660776.24), dbSNP rs183258470, ClinGen allele CA330772249.